The following is an entry in ClinVar:

NM_000451.4(SHOX):c.633+9C>T

Gene: SHOX (SHOX homeobox; plus strand). Cytogenetic location: Yp11.2.
Variant type: single nucleotide variant.
Coding change: c.633+9C>T on transcript NM_000451.4 (MANE Select); 9 bases into the intron after coding-DNA position 633, C replaced by T.
Molecular consequence: intron variant.
Genome position (GRCh38, 1-based): chrX:641,096, C>T. VCF-style: chrX-641096-C-T. GRCh37 (hg19) VCF-style: chrX-601831-C-T.
Other names: c.633+9C>T (NM_006883.2).
Identifiers: ClinVar variation 4886618 (VCV004886618.2).

ClinVar aggregate classification (germline): Uncertain significance (1 of 4 stars; one submission).

gnomAD v4.1: 2 of 1,613,388 alleles (0.00012%); highest among the groups gnomAD compares: East Asian, 0.0022%; no homozygotes.

Submission:

Dasa
Classification: Uncertain significance. Last evaluated: 2025-11-07. Review status: criteria provided, single submitter. Criteria: DASA Assertion Criteria. Collection method: clinical testing. Allele origin: germline.
Comment: NM_000451.4(SHOX):c.633+9C>T is a splice-region variant. This variant is rare in population databases. Computational prediction algorithms are consistent with a benign effect. The currently available literature and clinical evidence are not sufficient to establish a definitive association between this variant and the reported condition. Therefore, this variant is classified as a variant of uncertain significance.